The following is an entry in ClinVar:

ClinVar aggregate classification (germline): Uncertain significance (1 of 4 stars; one submission).

Conditions:
SDHD-related disorder. Also called: SDHD-related condition.

gnomAD v4.1: 9 of 376,992 alleles (0.0024%); highest among the groups gnomAD compares: Non-Finnish European, 0.0048%; no homozygotes.

Submission:

PreventionGenetics, part of Exact Sciences
Classification: Uncertain significance for SDHD-related condition. Last evaluated: 2025-07-01. Review status: criteria provided, single submitter. Criteria: ACMG Guidelines, 2015. Collection method: clinical testing. Allele origin: germline.
Comment: The SDHD c.404C>T variant is predicted to result in the amino acid substitution p.Ala135Val. On an alternate transcript (NM_003002) this variant is referred to as c.315-1636C>T (Intronic). To our knowledge, this variant has not been reported in the literature or in the ~70,000 alleles present in gnomAD. At this time, the clinical significance of this variant is uncertain due to the absence of conclusive functional and genetic evidence.

NM_003002.4(SDHD):c.315-1636C>T

Gene: SDHD (succinate dehydrogenase complex subunit D; plus strand). Cytogenetic location: 11q23.1.
Variant type: single nucleotide variant.
Coding change: c.315-1636C>T on transcript NM_003002.4 (MANE Select); 1636 bases into the intron before coding-DNA position 315, C replaced by T.
Molecular consequence: intron variant. On other transcripts: missense variant (1).
Genome position (GRCh38, 1-based): chr11:112,093,169, C>T. VCF-style: chr11-112093169-C-T. GRCh37 (hg19) VCF-style: chr11-111963893-C-T.
Other names: c.404C>T, p.Ala135Val (NM_001276506.2); c.170-1636C>T (NM_001276503.2); c.198-1636C>T (NM_001276504.2); short protein forms A135V.
Identifiers: ClinVar variation 4978209 (VCV004978209.1).